The following is an entry in ClinVar:

ClinVar aggregate classification (germline): Pathogenic (1 of 4 stars; one submission).

Conditions:
Epilepsy. Also called: Seizure disorder. Identifiers: MedGen C0014544, MeSH D004827, MONDO:0005027.

Submission:

Labcorp Genetics (formerly Invitae), Labcorp
Classification: Pathogenic for Epilepsy. Last evaluated: 2025-02-10. Review status: criteria provided, single submitter. Criteria: Invitae Variant Classification Sherloc (09022015). Collection method: clinical testing. Allele origin: germline.
Comment: This sequence change creates a premature translational stop signal (p.Ser389Glyfs*53) in the PIGQ gene. It is expected to result in an absent or disrupted protein product. Loss-of-function variants in PIGQ are known to be pathogenic (PMID: 24463883, 25558065). This variant is not present in population databases (gnomAD no frequency). This variant has not been reported in the literature in individuals affected with PIGQ-related conditions. For these reasons, this variant has been classified as Pathogenic.

Literature cited by the submitters: PubMed 24463883; PubMed 25558065.

NM_004204.5(PIGQ):c.1165_1166del (p.Ser389fs)

Gene: PIGQ (phosphatidylinositol glycan anchor biosynthesis class Q; plus strand). Cytogenetic location: 16p13.3.
Variant type: Microsatellite.
Coding change: c.1165_1166del on transcript NM_004204.5 (MANE Select); coding-DNA positions 1165 to 1166, 2 bases deleted (TC; older notation c.1165_1166delTC).
Protein change: p.Ser389fs; shifts the reading frame from serine 389.
Molecular consequence: frameshift variant.
Genome position (GRCh38, 1-based): chr16:578,880-578,881, TC deleted; deleting any 2 consecutive bases within chr16:578,877-578,881 gives the same sequence; the c. name uses the placement nearest the transcript's 3' end. VCF-style (leftmost placement, unchanged base first): chr16-578876-CCT-C. GRCh37 (hg19) VCF-style: chr16-628876-CCT-C.
Other names: c.1165_1166del, p.Ser389fs (NM_148920.4); short protein forms S389fs.
Identifiers: ClinVar variation 3670452 (VCV003670452.2).
Genomic context (GRCh38, chr16:578,876, plus strand): 5'-GCACATCCTTTGGCACGTGGGCCTCTCGGCCTGCCTGGGCCTGACGGTGGCCCTGTCCCT[CCT>C]CTCGGACATTATCGCCCTCCTCACCTTCCACATCTACTGCTTTTACGTCTATGGAGCCAG-3'